The following is an entry in ClinVar:

NM_001267550.2(TTN):c.67542T>G (p.Thr22514=)

Genes: TTN (titin; minus strand), TTN-AS1 (TTN antisense RNA 1; plus strand), LOC126806423 (CDK7 strongly-dependent group 2 enhancer GRCh37_chr2:179443309-179444508; plus strand). Cytogenetic location: 2q31.2.
Variant type: single nucleotide variant.
Coding change: c.67542T>G on transcript NM_001267550.2 (MANE Select); coding-DNA position 67542, T replaced by G.
Protein change: p.Thr22514=; no amino-acid change (threonine 22514 retained).
Molecular consequence: synonymous variant.
Genome position (GRCh38, 1-based): chr2:178,579,655, A>C on the plus strand (T>G on the coding strand, the complement: TTN is on the minus strand). VCF-style: chr2-178579655-A-C. GRCh37 (hg19) VCF-style: chr2-179444382-A-C.
Other names: p.T20873T:ACT>ACG; p.Thr20873=; c.62619T>G, p.Thr20873= (NM_001256850.1); c.40347T>G, p.Thr13449= (NM_003319.4); c.59838T>G, p.Thr19946= (NM_133378.4); c.40722T>G, p.Thr13574= (NM_133432.3); c.40923T>G, p.Thr13641= (NM_133437.4).
Identifiers: ClinVar variation 47253 (VCV000047253.76), dbSNP rs72646876, ClinGen allele CA235084.

ClinVar aggregate classification (germline): Benign/Likely benign. Review status: criteria provided, multiple submitters, no conflicts (2 of 4 stars). 26 submissions from 19 submitters: Benign (15); Likely benign (6). 5 of the submissions do not count toward it. Last evaluated 2026-03-27.

Conditions:
Cardiovascular phenotype. Identifiers: MedGen CN230736.
Dilated cardiomyopathy 1G (CMD1G). Identifiers: Orphanet 154, MedGen C1858763, MONDO:0011400, OMIM 604145.
Autosomal recessive limb-girdle muscular dystrophy type 2J (LGMDR10). Also called: MUSCULAR DYSTROPHY, LIMB-GIRDLE, AUTOSOMAL RECESSIVE 10; Limb-girdle muscular dystrophy, type 2J. Identifiers: Orphanet 140922, MedGen C1837342, MONDO:0012127, OMIM 608807.
Cardiomyopathy (CMYO). Also called: Cardiomyopathies. Identifiers: Orphanet 167848, MedGen C0878544, MONDO:0004994, HP:0001638. Inheritance: Various modes of inheritance.
Early-onset myopathy with fatal cardiomyopathy (CMYO5). Also called: CONGENITAL MYOPATHY 5 WITH CARDIOMYOPATHY; Salih Myopathy. Identifiers: Orphanet 289377, MedGen C2673677, MONDO:0012714, OMIM 611705. Disease mechanism: loss of function.
Myopathy, myofibrillar, 9, with early respiratory failure (MFM9). Also called: Myopathy, distal, with early respiratory failure, autosomal dominant; Hereditary myopathy with early respiratory failure; MYOPATHY, PROXIMAL, WITH EARLY RESPIRATORY MUSCLE INVOLVEMENT; EDSTROM MYOPATHY. Identifiers: Orphanet 178464, Orphanet 34521, MedGen C1863599, MONDO:0011362, OMIM 603689.
Tibial muscular dystrophy (TMD). Also called: Udd Distal Myopathy – Tibial Muscular Dystrophy; Tibial muscular dystrophy, tardive; UDD MYOPATHY. Identifiers: Orphanet 609, MedGen C1838244, MONDO:0010870, OMIM 600334.

Allele frequency attached by ClinVar (database versions not stated): ExAC 0.00092; gnomAD exomes 0.00097; gnomAD 0.00048 and 0.00060; ESP Exome Variant Server 0.00033; TOPMed 0.00075; 1000 Genomes Project 0.00379; 1000 Genomes Project 30x 0.00328.
gnomAD v4.1: 536 of 1,613,340 alleles (0.033%); highest among the groups gnomAD compares: East Asian, 0.69%; 18 homozygotes.

Submissions (26):

Molecular Diagnostic Laboratory for Inherited Cardiovascular Disease, Montreal Heart Institute
Classification: Likely benign. Last evaluated: 2026-03-27. Review status: criteria provided, single submitter. Criteria: ACMG Guidelines, 2015. Collection method: clinical testing. Allele origin: germline. Affected: no.
Comment: BS1;BP7

Labcorp Genetics (formerly Invitae), Labcorp
Classification: Benign for Dilated cardiomyopathy 1G; Autosomal recessive limb-girdle muscular dystrophy type 2J. Last evaluated: 2026-02-03. Review status: criteria provided, single submitter. Criteria: Invitae Variant Classification Sherloc (09022015). Collection method: clinical testing. Allele origin: germline.

Blueprint Genetics
Classification: Likely benign. Last evaluated: 2024-11-20. Review status: criteria provided, single submitter. Criteria: ACMG Guidelines, 2015. Collection method: clinical testing. Allele origin: germline.

ARUP Laboratories, Molecular Genetics and Genomics, ARUP Laboratories
Classification: Benign. Last evaluated: 2024-07-25. Review status: criteria provided, single submitter. Criteria: ARUP Molecular Germline Variant Investigation Process 2024. Collection method: clinical testing. Allele origin: germline.

Women's Health and Genetics/Laboratory Corporation of America, LabCorp
Classification: Benign. Last evaluated: 2023-01-21. Review status: criteria provided, single submitter. Criteria: LabCorp Variant Classification Summary - May 2015. Collection method: clinical testing. Allele origin: germline.

Genome-Nilou Lab
Classification: Benign for Autosomal recessive limb-girdle muscular dystrophy type 2J. Last evaluated: 2021-09-10. Review status: criteria provided, single submitter. Criteria: ACMG Guidelines, 2015. Collection method: clinical testing. Allele origin: germline. Affected: no.

Genome-Nilou Lab
Classification: Benign for Myopathy, myofibrillar, 9, with early respiratory failure. Last evaluated: 2021-09-10. Review status: criteria provided, single submitter. Criteria: ACMG Guidelines, 2015. Collection method: clinical testing. Allele origin: germline. Affected: no.

Genome-Nilou Lab
Classification: Benign for Early-onset myopathy with fatal cardiomyopathy. Last evaluated: 2021-09-10. Review status: criteria provided, single submitter. Criteria: ACMG Guidelines, 2015. Collection method: clinical testing. Allele origin: germline. Affected: no.

Genome-Nilou Lab
Classification: Benign for Tibial muscular dystrophy. Last evaluated: 2021-09-10. Review status: criteria provided, single submitter. Criteria: ACMG Guidelines, 2015. Collection method: clinical testing. Allele origin: germline. Affected: no.

Mayo Clinic Laboratories, Mayo Clinic
Classification: Benign. Last evaluated: 2019-04-11. Review status: criteria provided, single submitter. Criteria: ACMG Guidelines, 2015. Collection method: clinical testing. Allele origin: germline. Observed: 8 variant alleles.

Athena Diagnostics
Classification: Benign. Last evaluated: 2018-04-09. Review status: criteria provided, single submitter. Criteria: Athena Diagnostics Criteria. Collection method: clinical testing. Allele origin: germline.

Illumina Laboratory Services, Illumina
Classification: Likely benign for Dilated cardiomyopathy 1G. Last evaluated: 2018-01-13. Review status: criteria provided, single submitter. Criteria: ICSL Variant Classification Criteria 13 December 2019. Collection method: clinical testing. Allele origin: germline.
Comment: This variant was observed in the ICSL laboratory as part of a predisposition screen in an ostensibly healthy population. It had not been previously curated by ICSL or reported in the Human Gene Mutation Database (HGMD: prior to June 1st, 2018), and was therefore a candidate for classification through an automated scoring system. Utilizing variant allele frequency, disease prevalence and penetrance estimates, and inheritance mode, an automated score was calculated to assess if this variant is too frequent to cause the disease. Based on the score and internal cut-off values, a variant classified as likely benign is not then subjected to further curation. The score for this variant resulted in a classification of likely benign for this disease.

Illumina Laboratory Services, Illumina
Classification: Benign for Myopathy, myofibrillar, 9, with early respiratory failure. Last evaluated: 2018-01-13. Review status: criteria provided, single submitter. Criteria: ICSL Variant Classification Criteria 13 December 2019. Collection method: clinical testing. Allele origin: germline.
Comment: This variant was observed in the ICSL laboratory as part of a predisposition screen in an ostensibly healthy population. It had not been previously curated by ICSL or reported in the Human Gene Mutation Database (HGMD: prior to June 1st, 2018), and was therefore a candidate for classification through an automated scoring system. Utilizing variant allele frequency, disease prevalence and penetrance estimates, and inheritance mode, an automated score was calculated to assess if this variant is too frequent to cause the disease. Based on the score and internal cut-off values, a variant classified as benign is not then subjected to further curation. The score for this variant resulted in a classification of benign for this disease.

Illumina Laboratory Services, Illumina
Classification: Likely benign for Early-onset myopathy with fatal cardiomyopathy. Last evaluated: 2018-01-13. Review status: criteria provided, single submitter. Criteria: ICSL Variant Classification Criteria 13 December 2019. Collection method: clinical testing. Allele origin: germline.
Comment: the same text as in the submission from Illumina Laboratory Services, Illumina above.

Illumina Laboratory Services, Illumina
Classification: Benign for Tibial muscular dystrophy. Last evaluated: 2018-01-13. Review status: criteria provided, single submitter. Criteria: ICSL Variant Classification Criteria 13 December 2019. Collection method: clinical testing. Allele origin: germline.
Comment: the same text as in the submission from Illumina Laboratory Services, Illumina above.

Illumina Laboratory Services, Illumina
Classification: Likely benign for Autosomal recessive limb-girdle muscular dystrophy type 2J. Last evaluated: 2018-01-13. Review status: criteria provided, single submitter. Criteria: ICSL Variant Classification Criteria 13 December 2019. Collection method: clinical testing. Allele origin: germline.
Comment: the same text as in the submission from Illumina Laboratory Services, Illumina above.

CHEO Genetics Diagnostic Laboratory, Children's Hospital of Eastern Ontario
Classification: Benign for Cardiomyopathy. Last evaluated: 2017-03-22. Review status: criteria provided, single submitter. Criteria: ACMG Guidelines, 2015. Collection method: clinical testing. Allele origin: germline. Study: Canadian Open Genetics Repository.

Eurofins Ntd Llc (ga)
Classification: Benign. Last evaluated: 2017-02-28. Review status: criteria provided, single submitter. Criteria: EGL Classification Definitions 2015. Collection method: clinical testing. Allele origin: germline. Observed: 2 variant alleles, 2 heterozygotes.

Laboratory for Molecular Medicine, Mass General Brigham Personalized Medicine
Classification: Benign. Last evaluated: 2015-03-21. Review status: criteria provided, single submitter. Criteria: LMM Criteria. Collection method: clinical testing. Allele origin: germline. Observed: 10 variant alleles.
Comment: p.Thr19946Thr in exon 268 of TTN: This variant is not expected to have clinical significance because it does not alter an amino acid residue, is not located wit hin the splice consensus sequence, and has been identified in 1.2% (105/8530) of East Asian chromosomes by the Exome Aggregation Consortium (ExAC; dbSNP rs72646876).

GeneDx
Classification: Benign. Last evaluated: 2014-08-13. Review status: criteria provided, single submitter. Criteria: GeneDx Variant Classification (06012015). Collection method: clinical testing. Allele origin: germline. Affected: yes.
Comment: This variant is considered likely benign or benign based on one or more of the following criteria: it is a conservative change, it occurs at a poorly conserved position in the protein, it is predicted to be benign by multiple in silico algorithms, and/or has population frequency not consistent with disease.

Ambry Genetics
Classification: Likely benign for Cardiovascular phenotype. Last evaluated: 2013-05-05. Review status: criteria provided, single submitter. Criteria: Ambry Autosomal Dominant and X-Linked criteria (10/2015). Collection method: clinical testing. Allele origin: germline. Observed: 1 variant allele.

Clinical Genetics DNA and cytogenetics Diagnostics Lab, Erasmus MC, Erasmus Medical Center
Classification: Benign. Review status: no assertion criteria provided. Collection method: clinical testing. Allele origin: germline. Affected: yes. Study: VKGL Data-share Consensus. Not counted in ClinVar's aggregate classification.

Clinical Genetics, Academic Medical Center
Classification: Benign. Review status: no assertion criteria provided. Collection method: clinical testing. Allele origin: germline. Affected: yes. Study: VKGL Data-share Consensus. Not counted in ClinVar's aggregate classification.

Diagnostic Laboratory, Department of Genetics, University Medical Center Groningen
Classification: Likely benign. Review status: no assertion criteria provided. Collection method: clinical testing. Allele origin: germline. Affected: yes. Study: VKGL Data-share Consensus. Not counted in ClinVar's aggregate classification.

Genome Diagnostics Laboratory, University Medical Center Utrecht
Classification: Benign. Review status: no assertion criteria provided. Collection method: clinical testing. Allele origin: germline. Affected: yes. Study: VKGL Data-share Consensus. Not counted in ClinVar's aggregate classification.

Joint Genome Diagnostic Labs from Nijmegen and Maastricht, Radboudumc and MUMC+
Classification: Benign. Review status: no assertion criteria provided. Collection method: clinical testing. Allele origin: germline. Affected: yes. Study: VKGL Data-share Consensus. Not counted in ClinVar's aggregate classification.